The following is an entry in ClinVar:

NM_002693.3(POLG):c.3035T>C (p.Val1012Ala)

Gene: POLG (DNA polymerase gamma, catalytic subunit; minus strand). Cytogenetic location: 15q26.1.
Variant type: single nucleotide variant.
Coding change: c.3035T>C on transcript NM_002693.3 (MANE Select); coding-DNA position 3035, T replaced by C.
Protein change: p.Val1012Ala; replaces valine 1012 with alanine.
Molecular consequence: missense variant.
Genome position (GRCh38, 1-based): chr15:89,319,297, A>G on the plus strand (T>C on the coding strand, the complement: POLG is on the minus strand). VCF-style: chr15-89319297-A-G. GRCh37 (hg19) VCF-style: chr15-89862528-A-G.
Other names: c.3035T>C, p.Val1012Ala (NM_001126131.2); short protein forms V1012A.
Identifiers: ClinVar variation 2706853 (VCV002706853.3), dbSNP rs2509210302, ClinGen allele CA393751393.

ClinVar aggregate classification (germline): Uncertain significance (1 of 4 stars; one submission).

Conditions:
Progressive sclerosing poliodystrophy (MTDPS4A). Also called: ALPERS PROGRESSIVE INFANTILE POLIODYSTROPHY; NEURONAL DEGENERATION OF CHILDHOOD WITH LIVER DISEASE, PROGRESSIVE; Mitochondrial DNA depletion syndrome 4A (Alpers type); Mitochondrial DNA Depletion Syndrome 4A; Alpers-Huttenlocher Syndrome (AHS); Alpers Syndrome. Identifiers: Orphanet 726, MedGen C0205710, MONDO:0008758, OMIM 203700.

Submission:

Labcorp Genetics (formerly Invitae), Labcorp
Classification: Uncertain significance for Progressive sclerosing poliodystrophy. Last evaluated: 2024-06-03. Review status: criteria provided, single submitter. Criteria: Invitae Variant Classification Sherloc (09022015). Collection method: clinical testing. Allele origin: germline.
Comment: This sequence change replaces valine, which is neutral and non-polar, with alanine, which is neutral and non-polar, at codon 1012 of the POLG protein (p.Val1012Ala). This variant is not present in population databases (gnomAD no frequency). This variant has not been reported in the literature in individuals affected with POLG-related conditions. Advanced modeling of protein sequence and biophysical properties (such as structural, functional, and spatial information, amino acid conservation, physicochemical variation, residue mobility, and thermodynamic stability) has been performed at Invitae for this missense variant, however the output from this modeling did not meet the statistical confidence thresholds required to predict the impact of this variant on POLG protein function. In summary, the available evidence is currently insufficient to determine the role of this variant in disease. Therefore, it has been classified as a Variant of Uncertain Significance.